The following is an entry in ClinVar:

NM_002890.3(RASA1):c.1934+6T>C

Genes: CCNH (cyclin H; minus strand), RASA1 (RAS p21 protein activator 1; plus strand). Cytogenetic location: 5q14.3.
Variant type: single nucleotide variant.
Coding change: c.1934+6T>C on transcript NM_002890.3 (MANE Select); 6 bases into the intron after coding-DNA position 1934, T replaced by C.
Molecular consequence: intron variant.
Genome position (GRCh38, 1-based): chr5:87,374,326, T>C. VCF-style: chr5-87374326-T-C. GRCh37 (hg19) VCF-style: chr5-86670143-T-C.
Other names: c.1403+6T>C (NM_022650.3); c.933+20718A>G (NM_001364075.2).
Identifiers: ClinVar variation 2763055 (VCV002763055.3), dbSNP rs2531339141, ClinGen allele CA2674517109.

ClinVar aggregate classification (germline): Uncertain significance (1 of 4 stars; one submission).

Conditions:
Capillary malformation-arteriovenous malformation syndrome. Also called: Capillary malformation-arteriovenous malformation. Identifiers: Orphanet 137667, MedGen C1842180, MONDO:0012016.

Submission:

Labcorp Genetics (formerly Invitae), Labcorp
Classification: Uncertain significance for Capillary malformation-arteriovenous malformation syndrome. Last evaluated: 2023-09-24. Review status: criteria provided, single submitter. Criteria: Invitae Variant Classification Sherloc (09022015). Collection method: clinical testing. Allele origin: germline.
Comment: In summary, the available evidence is currently insufficient to determine the role of this variant in disease. Therefore, it has been classified as a Variant of Uncertain Significance. Variants that disrupt the consensus splice site are a relatively common cause of aberrant splicing (PMID: 17576681, 9536098). Algorithms developed to predict the effect of sequence changes on RNA splicing suggest that this variant is not likely to affect RNA splicing. This variant has not been reported in the literature in individuals affected with RASA1-related conditions. This variant is not present in population databases (gnomAD no frequency). This sequence change falls in intron 14 of the RASA1 gene. It does not directly change the encoded amino acid sequence of the RASA1 protein. It affects a nucleotide within the consensus splice site.

Literature cited by the submitters: PubMed 17576681; PubMed 9536098.